The following is an entry in ClinVar:

ClinVar aggregate classification (germline): Conflicting classifications of pathogenicity. Review status: criteria provided, conflicting classifications (1 of 4 stars). 3 submissions from 3 submitters: Uncertain significance (2); Benign (1). Last evaluated 2026-01-19.

Conditions:
Hereditary cancer-predisposing syndrome. Also called: Hereditary neoplastic syndrome; Neoplastic Syndromes, Hereditary; Tumor predisposition; Hereditary Cancer Syndrome. Identifiers: Orphanet 140162, MedGen C0027672, MeSH D009386, MONDO:0015356.
Tuberous sclerosis 2 (TSC2). Identifiers: Orphanet 805, MedGen C1860707, MONDO:0013199, OMIM 613254.

Allele frequency attached by ClinVar (database versions not stated): TOPMed below 0.00001.

Submissions (3):

Labcorp Genetics (formerly Invitae), Labcorp
Classification: Benign for Tuberous sclerosis 2. Last evaluated: 2026-01-19. Review status: criteria provided, single submitter. Criteria: Invitae Variant Classification Sherloc (09022015). Collection method: clinical testing. Allele origin: germline.

Ambry Genetics
Classification: Uncertain significance for Hereditary cancer-predisposing syndrome. Last evaluated: 2024-05-04. Review status: criteria provided, single submitter. Criteria: Ambry Variant Classification Scheme 2023. Collection method: clinical testing. Allele origin: germline.
Comment: The p.P1109A variant (also known as c.3325C>G), located in coding exon 28 of the TSC2 gene, results from a C to G substitution at nucleotide position 3325. The proline at codon 1109 is replaced by alanine, an amino acid with highly similar properties. This amino acid position is highly conserved in available vertebrate species. In addition, this alteration is predicted to be deleterious by in silico analysis. Since supporting evidence is limited at this time, the clinical significance of this alteration remains unclear.

GeneDx
Classification: Uncertain significance. Last evaluated: 2024-04-30. Review status: criteria provided, single submitter. Criteria: GeneDx Variant Classification Process June 2021. Collection method: clinical testing. Allele origin: germline. Affected: yes.
Comment: Not observed at significant frequency in large population cohorts (gnomAD); In silico analysis supports that this missense variant has a deleterious effect on protein structure/function; Has not been previously published as pathogenic or benign to our knowledge

NM_000548.5(TSC2):c.3325C>G (p.Pro1109Ala)

Gene: TSC2 (TSC complex subunit 2; plus strand). Cytogenetic location: 16p13.3.
Variant type: single nucleotide variant.
Coding change: c.3325C>G on transcript NM_000548.5 (MANE Select); coding-DNA position 3325, C replaced by G.
Protein change: p.Pro1109Ala; replaces proline 1109 with alanine.
Molecular consequence: missense variant.
Genome position (GRCh38, 1-based): chr16:2,079,597, C>G. VCF-style: chr16-2079597-C-G. GRCh37 (hg19) VCF-style: chr16-2129598-C-G.
Other names: c.3193C>G, p.Pro1065Ala (NM_001077183.3, NM_001370404.1); c.3325C>G, p.Pro1109Ala (NM_001114382.3); c.3085C>G, p.Pro1029Ala (NM_001318827.2); c.3049C>G, p.Pro1017Ala (NM_001318829.2); c.2593C>G, p.Pro865Ala (NM_001318831.2); c.3226C>G, p.Pro1076Ala (NM_001318832.2); c.3196C>G, p.Pro1066Ala (NM_001363528.2, NM_001370405.1, NM_021055.3); short protein forms P1109A, P1017A, P1076A, P1029A, P1065A, P865A, P1066A.
Identifiers: ClinVar variation 468002 (VCV000468002.17), dbSNP rs1555510880, ClinGen allele CA394286595.